The following is an entry in ClinVar:

ClinVar aggregate classification (germline): Benign/Likely benign. Review status: criteria provided, multiple submitters, no conflicts (2 of 4 stars). 9 submissions from 9 submitters: Benign (5); Likely benign (2). 2 of the submissions do not count toward it. Last evaluated 2026-01-29.

Conditions:
Ehlers-Danlos syndrome, classic type, 2 (EDSCL2). Also called: Ehlers-Danlos syndrome, type 2; Ehlers-Danlos syndrome type 2 (formerly); Ehlers-Danlos Syndrome, Classic Type, COL5A2-Related. Identifiers: Orphanet 287, Orphanet 90318, MedGen C0268336, MONDO:0019568, OMIM 130010.
Connective tissue disorder. Also called: Connective tissue disease. Identifiers: MedGen C0009782, MONDO:0003900.
Ehlers-Danlos syndrome, classic type, 1 (EDSCL1). Also called: Ehlers-Danlos syndrome, type 1; EHLERS-DANLOS SYNDROME, GRAVIS TYPE; EHLERS-DANLOS SYNDROME, SEVERE CLASSIC TYPE; Ehlers-Danlos Syndrome, Classic Type, COL5A1-Related; EDS I. Identifiers: MedGen C0268335, MONDO:0019567, OMIM 130000.

Allele frequency attached by ClinVar (database versions not stated): gnomAD exomes 0.00124 and 0.00223; gnomAD 0.00144 and 0.00148; ESP Exome Variant Server 0.00154; TOPMed 0.00159; 1000 Genomes Project 30x 0.00031; 1000 Genomes Project 0.00040; ExAC 0.00116.
gnomAD v4.1: 3,205 of 1,509,064 alleles (0.21%); highest among the groups gnomAD compares: Non-Finnish European, 0.27%; 7 homozygotes.

Submissions (9):

Labcorp Genetics (formerly Invitae), Labcorp
Classification: Benign for Ehlers-Danlos syndrome, classic type, 1. Last evaluated: 2026-01-29. Review status: criteria provided, single submitter. Criteria: Invitae Variant Classification Sherloc (09022015). Collection method: clinical testing. Allele origin: germline.

Blueprint Genetics
Classification: Likely benign. Last evaluated: 2024-11-05. Review status: criteria provided, single submitter. Criteria: ACMG Guidelines, 2015. Collection method: clinical testing. Allele origin: germline.

ARUP Laboratories, Molecular Genetics and Genomics, ARUP Laboratories
Classification: Benign for Ehlers-Danlos syndrome, classic type, 2. Last evaluated: 2024-10-10. Review status: criteria provided, single submitter. Criteria: ARUP Molecular Germline Variant Investigation Process 2024. Collection method: clinical testing. Allele origin: germline.

Women's Health and Genetics/Laboratory Corporation of America, LabCorp
Classification: Benign. Last evaluated: 2024-01-28. Review status: criteria provided, single submitter. Criteria: LabCorp Variant Classification Summary - May 2015. Collection method: clinical testing. Allele origin: germline.

Center for Human Genetics, Inc
Classification: Likely benign for Connective tissue disorder. Last evaluated: 2016-11-01. Review status: criteria provided, single submitter. Criteria: ACMG Guidelines, 2015. Collection method: clinical testing. Allele origin: germline. Affected: yes.

GeneDx
Classification: Benign. Last evaluated: 2013-02-25. Review status: criteria provided, single submitter. Criteria: GeneDx Variant Classification (06012015). Collection method: clinical testing. Allele origin: germline. Affected: yes.
Comment: This variant is considered likely benign or benign based on one or more of the following criteria: it is a conservative change, it occurs at a poorly conserved position in the protein, it is predicted to be benign by multiple in silico algorithms, and/or has population frequency not consistent with disease.

PreventionGenetics, part of Exact Sciences
Classification: Benign. Review status: criteria provided, single submitter. Criteria: ACMG Guidelines, 2015. Collection method: clinical testing. Allele origin: germline.

Genome Diagnostics Laboratory, Amsterdam University Medical Center
Classification: Benign. Review status: no assertion criteria provided. Collection method: clinical testing. Allele origin: germline. Affected: yes. Study: VKGL Data-share Consensus. Not counted in ClinVar's aggregate classification.

Genome Diagnostics Laboratory, University Medical Center Utrecht
Classification: Likely benign. Review status: no assertion criteria provided. Collection method: clinical testing. Allele origin: germline. Affected: yes. Study: VKGL Data-share Consensus. Not counted in ClinVar's aggregate classification.

NM_000393.5(COL5A2):c.1618-19C>G

Gene: COL5A2 (collagen type V alpha 2 chain; minus strand). Cytogenetic location: 2q32.2.
Variant type: single nucleotide variant.
Coding change: c.1618-19C>G on transcript NM_000393.5 (MANE Select); 19 bases into the intron before coding-DNA position 1618, C replaced by G.
Molecular consequence: intron variant.
Genome position (GRCh38, 1-based): chr2:189,064,674, G>C on the plus strand (C>G on the coding strand, the complement: COL5A2 is on the minus strand). VCF-style: chr2-189064674-G-C. GRCh37 (hg19) VCF-style: chr2-189929400-G-C.
Identifiers: ClinVar variation 136942 (VCV000136942.24), dbSNP rs189970491, ClinGen allele CA290378.
Genomic context (GRCh38, chr2:189,064,674, plus strand): 5'-GGGTCCTGAAGAACCTACAGGACCCCGTTCTCCTTGAGCACCCTGTACCGAGGCAAAGCA[G>C]ATGCATGAAGAAAAAGAGTATAGAAAAACAAAAGCAAGCAGAAGTAAAATTATCGTTTTA-3'